The following is an entry in ClinVar:

ClinVar aggregate classification (germline): Uncertain significance (1 of 4 stars; one submission).

Conditions:
CEP164-related disorder. Also called: CEP164-related condition.

Submission:

PreventionGenetics, part of Exact Sciences
Classification: Uncertain significance for CEP164-related condition. Last evaluated: 2025-07-08. Review status: criteria provided, single submitter. Criteria: ACMG Guidelines, 2015. Collection method: clinical testing. Allele origin: germline.
Comment: The CEP164 c.612_614delGGA variant is predicted to result in an in-frame deletion (p.Glu204del). To our knowledge, this variant has not been reported in the literature or in a large population database (gnomAD), indicating this variant is rare. At this time, the clinical significance of this variant is uncertain due to the absence of conclusive functional and genetic evidence.

NM_014956.5(CEP164):c.612_614del (p.Glu204del)

Gene: CEP164 (centrosomal protein 164; plus strand). Cytogenetic location: 11q23.3.
Variant type: Deletion.
Coding change: c.612_614del on transcript NM_014956.5 (MANE Select); coding-DNA positions 612 to 614, 3 bases deleted (GGA; older notation c.612_614delGGA).
Protein change: p.Glu204del; deletes glutamic acid 204.
Molecular consequence: inframe deletion.
Genome position (GRCh38, 1-based): chr11:117,362,463-117,362,465, GGA deleted; deleting any 3 consecutive bases within chr11:117,362,461-117,362,465 gives the same sequence; the c. name uses the placement nearest the transcript's 3' end. VCF-style (leftmost placement, unchanged base first): chr11-117362460-TGAG-T. GRCh37 (hg19) VCF-style: chr11-117233176-TGAG-T.
Other names: c.612_614del, p.Glu204del (NM_001271933.2, NM_001440949.1, NM_001440950.1 and 36 more transcripts); c.474_476del, p.Glu158del (NM_001440960.1); short protein forms E158del, E204del.
Identifiers: ClinVar variation 4999815 (VCV004999815.1).
Genomic context (GRCh38, chr11:117,362,460, plus strand): 5'-GAAGCCTTCACAGGGTCTCAAGACCTCTGCTTATACAAAGGGTCTCTTGGGCTCCATATA[TGAG>T]GACAAGACTGCTCTCAGCCTCTTGGGTTTAGGAGAAGAAACCAATGAGGAGGATGAGGAG-3'